The following is an entry in ClinVar:

ClinVar aggregate classification (germline): Uncertain significance. Review status: criteria provided, multiple submitters, no conflicts (2 of 4 stars). 2 submissions from 2 submitters: Uncertain significance (2). Last evaluated 2025-12-17.

Conditions:
Hereditary cancer-predisposing syndrome. Also called: Tumor predisposition; Hereditary neoplastic syndrome; Hereditary Cancer Syndrome; Neoplastic Syndromes, Hereditary. Identifiers: Orphanet 140162, MedGen C0027672, MeSH D009386, MONDO:0015356.
Familial cancer of breast. Also called: BREAST CANCER, FAMILIAL; hereditary breast carcinoma; Hereditary breast cancer. Identifiers: Orphanet 227535, MedGen C0346153, MONDO:0016419, OMIM 114480. Disease mechanism: loss of function.

gnomAD v4.1: 1 of 1,613,760 alleles (0.000062%); highest among the groups gnomAD compares: South Asian, 0.0011%; no homozygotes.

Submissions (2):

Ambry Genetics
Classification: Uncertain significance for Hereditary cancer-predisposing syndrome. Last evaluated: 2025-12-17. Review status: criteria provided, single submitter. Criteria: Ambry Variant Classification Scheme 2023. Collection method: clinical testing. Allele origin: germline.
Comment: The p.Q29R variant (also known as c.86A>G), located in coding exon 1 of the CHEK2 gene, results from an A to G substitution at nucleotide position 86. The glutamine at codon 29 is replaced by arginine, an amino acid with highly similar properties. This variant was identified in a cohort of 3,579 African males diagnosed with prostate cancer who underwent multi-gene panel testing of 19 DNA repair and cancer predisposition genes (Matejcic M et al. JCO Precis Oncol, 2020 Jan;4:32-43). This amino acid position is poorly conserved in available vertebrate species. In addition, the in silico prediction for this alteration is inconclusive. Since supporting evidence is limited at this time, the clinical significance of this alteration remains unclear.

Labcorp Genetics (formerly Invitae), Labcorp
Classification: Uncertain significance for Familial cancer of breast. Last evaluated: 2023-10-18. Review status: criteria provided, single submitter. Criteria: Invitae Variant Classification Sherloc (09022015). Collection method: clinical testing. Allele origin: germline.
Comment: This sequence change replaces glutamine, which is neutral and polar, with arginine, which is basic and polar, at codon 29 of the CHEK2 protein (p.Gln29Arg). This variant is not present in population databases (gnomAD no frequency). This variant has not been reported in the literature in individuals affected with CHEK2-related conditions. ClinVar contains an entry for this variant (Variation ID: 232835). Algorithms developed to predict the effect of missense changes on protein structure and function output the following: SIFT: "Not Available"; PolyPhen-2: "Benign"; Align-GVGD: "Not Available". The arginine amino acid residue is found in multiple mammalian species, which suggests that this missense change does not adversely affect protein function. In summary, the available evidence is currently insufficient to determine the role of this variant in disease. Therefore, it has been classified as a Variant of Uncertain Significance.

Literature cited by the submitters: PubMed 32832836 (cited by Ambry Genetics).

NM_007194.4(CHEK2):c.86A>G (p.Gln29Arg)

Gene: CHEK2 (checkpoint kinase 2; minus strand). Cytogenetic location: 22q12.1.
Variant type: single nucleotide variant.
Coding change: c.86A>G on transcript NM_007194.4 (MANE Select); coding-DNA position 86, A replaced by G.
Protein change: p.Gln29Arg; replaces glutamine 29 with arginine.
Molecular consequence: missense variant.
Genome position (GRCh38, 1-based): chr22:28,734,636, T>C on the plus strand (A>G on the coding strand, the complement: CHEK2 is on the minus strand). VCF-style: chr22-28734636-T-C. GRCh37 (hg19) VCF-style: chr22-29130624-T-C.
Other names: c.86A>G, p.Gln29Arg (NM_001005735.3, NM_001349956.3, NM_145862.3); c.-692A>G (NM_001257387.3); short protein forms Q29R.
Identifiers: ClinVar variation 232835 (VCV000232835.11), dbSNP rs876660019, ClinGen allele CA10581115.
Genomic context (GRCh38, chr22:28,734,636, plus strand): 5'-GAGTTTGGCATCGTGCTGGTAGAGGAGCTGGATATGCCCTGGGACTGTGAGGAGGAGCCT[T>C]GGGACTGGGTAACGCTGCCATGGGGCTGTGAACAGGCACTGCTGCCATGAGACTGCTGAG-3'
Protein context (NP_009125.1, residues 19-39): SQPHGSVTQS[Gln29Arg]GSSSQSQGIS